The following is an entry in ClinVar:

ClinVar aggregate classification (germline): Uncertain significance (1 of 4 stars; one submission).

Allele frequency attached by ClinVar (database versions not stated): gnomAD exomes below 0.00001.

Submission:

Labcorp Genetics (formerly Invitae), Labcorp
Classification: Uncertain significance. Last evaluated: 2024-11-11. Review status: criteria provided, single submitter. Criteria: Invitae Variant Classification Sherloc (09022015). Collection method: clinical testing. Allele origin: germline.
Comment: This sequence change replaces histidine, which is basic and polar, with arginine, which is basic and polar, at codon 545 of the DSG1 protein (p.His545Arg). This variant is not present in population databases (gnomAD no frequency). This variant has not been reported in the literature in individuals affected with DSG1-related conditions. ClinVar contains an entry for this variant (Variation ID: 2788559). Invitae Evidence Modeling of protein sequence and biophysical properties (such as structural, functional, and spatial information, amino acid conservation, physicochemical variation, residue mobility, and thermodynamic stability) indicates that this missense variant is not expected to disrupt DSG1 protein function with a negative predictive value of 80%. In summary, the available evidence is currently insufficient to determine the role of this variant in disease. Therefore, it has been classified as a Variant of Uncertain Significance.

NM_001942.4(DSG1):c.1634A>G (p.His545Arg)

Gene: DSG1 (desmoglein 1; plus strand). Cytogenetic location: 18q12.1.
Variant type: single nucleotide variant.
Coding change: c.1634A>G on transcript NM_001942.4 (MANE Select); coding-DNA position 1634, A replaced by G.
Protein change: p.His545Arg; replaces histidine 545 with arginine.
Molecular consequence: missense variant.
Genome position (GRCh38, 1-based): chr18:31,339,972, A>G. VCF-style: chr18-31339972-A-G. GRCh37 (hg19) VCF-style: chr18-28919935-A-G.
Other names: short protein forms H545R.
Identifiers: ClinVar variation 2788559 (VCV002788559.3), dbSNP rs2510836389, ClinGen allele CA402138553.